The following is an entry in ClinVar:

NM_015027.4(PDXDC1):c.2162G>A (p.Ser721Asn)

Gene: PDXDC1 (pyridoxal dependent decarboxylase domain containing 1). Cytogenetic location: 16p13.11.
Variant type: single nucleotide variant.
Coding change: c.2162G>A on transcript NM_015027.4 (MANE Select); coding-DNA position 2162, G replaced by A.
Protein change: p.Ser721Asn; replaces serine 721 with asparagine.
Molecular consequence: missense variant. On other transcripts: intron variant (3).
Genome position (GRCh38, 1-based): chr16:15,036,070, G>A. VCF-style: chr16-15036070-G-A. GRCh37 (hg19) VCF-style: chr16-15129927-G-A.
Other names: c.2159G>A, p.Ser720Asn (NM_001324019.2); c.1399+6014G>A (NM_001285449.2); c.1318+6014G>A (NM_001324021.2); c.1396+6014G>A (NM_001324020.2); c.2081G>A, p.Ser694Asn (NM_001285444.2); c.2078G>A, p.Ser693Asn (NM_001285445.2); c.2117G>A, p.Ser706Asn (NM_001285447.1); c.1889G>A, p.Ser630Asn (NM_001285448.1); and 1 more; short protein forms S630N, S693N, S694N, S706N, S720N, S721N.
Identifiers: ClinVar variation 2646247 (VCV002646247.25), dbSNP rs148061029, ClinGen allele CA7915642.

ClinVar aggregate classification (germline): Likely benign. Review status: criteria provided, single submitter (1 of 4 stars). 2 submissions from 2 submitters: Likely benign (1). 1 of the submissions does not count toward it. Last evaluated 2024-11-01.

Conditions:
PDXDC1-related disorder. Also called: PDXDC1-related condition.

Allele frequency attached by ClinVar (database versions not stated): ExAC 0.00249; 1000 Genomes Project 0.00260; 1000 Genomes Project 30x 0.00265; ESP Exome Variant Server 0.00308; gnomAD 0.00362; TOPMed 0.00363.
gnomAD v4.1: 7,372 of 1,614,068 alleles (0.46%); highest among the groups gnomAD compares: Non-Finnish European, 0.56%; 32 homozygotes.

Submissions (2):

CeGaT Center for Human Genetics Tuebingen
Classification: Likely benign. Last evaluated: 2024-11-01. Review status: criteria provided, single submitter. Criteria: CeGaT Center For Human Genetics Tuebingen Variant Classification Criteria Version 2. Collection method: clinical testing. Allele origin: germline. Affected: yes. Observed: 2 variant alleles.
Comment: PDXDC1: BS2

PreventionGenetics, part of Exact Sciences
Classification: Likely benign for PDXDC1-related condition. Last evaluated: 2022-02-10. Review status: no assertion criteria provided. Collection method: clinical testing. Allele origin: germline. Not counted in ClinVar's aggregate classification.
Comment: This variant is classified as likely benign based on ACMG/AMP sequence variant interpretation guidelines (Richards et al. 2015 PMID: 25741868, with internal and published modifications).